The following is an entry in ClinVar:

ClinVar aggregate classification (germline): Uncertain significance. Review status: criteria provided, multiple submitters, no conflicts (2 of 4 stars). 2 submissions from 2 submitters: Uncertain significance (2). Last evaluated 2025-06-19.

Conditions:
Tumor predisposition syndrome 3 (TPDS3). Also called: Melanoma, cutaneous malignant, susceptibility to, 10; Glioma susceptibility 9; LONG TELOMERE SYNDROME, POT1-RELATED; POT1 Tumor Predisposition. Identifiers: Orphanet 618, MedGen C4014476, MONDO:0014368, OMIM 615848.
Hereditary cancer-predisposing syndrome. Also called: Neoplastic Syndromes, Hereditary; Hereditary Cancer Syndrome; Hereditary neoplastic syndrome; Tumor predisposition. Identifiers: Orphanet 140162, MedGen C0027672, MeSH D009386, MONDO:0015356.

Submissions (2):

Ambry Genetics
Classification: Uncertain significance for Hereditary cancer-predisposing syndrome. Last evaluated: 2025-06-19. Review status: criteria provided, single submitter. Criteria: Ambry Variant Classification Scheme 2023. Collection method: clinical testing. Allele origin: germline.
Comment: The p.H143R variant (also known as c.428A>G), located in coding exon 4 of the POT1 gene, results from an A to G substitution at nucleotide position 428. The histidine at codon 143 is replaced by arginine, an amino acid with highly similar properties. This amino acid position is conserved. In addition, this alteration is predicted to be tolerated by in silico analysis. Based on the available evidence, the clinical significance of this variant remains unclear.

Labcorp Genetics (formerly Invitae), Labcorp
Classification: Uncertain significance for Tumor predisposition syndrome 3. Last evaluated: 2023-06-05. Review status: criteria provided, single submitter. Criteria: Invitae Variant Classification Sherloc (09022015). Collection method: clinical testing. Allele origin: germline.
Comment: In summary, the available evidence is currently insufficient to determine the role of this variant in disease. Therefore, it has been classified as a Variant of Uncertain Significance. Advanced modeling of protein sequence and biophysical properties (such as structural, functional, and spatial information, amino acid conservation, physicochemical variation, residue mobility, and thermodynamic stability) performed at Invitae indicates that this missense variant is not expected to disrupt POT1 protein function. This variant has not been reported in the literature in individuals affected with POT1-related conditions. This variant is not present in population databases (gnomAD no frequency). This sequence change replaces histidine, which is basic and polar, with arginine, which is basic and polar, at codon 143 of the POT1 protein (p.His143Arg).

NM_015450.3(POT1):c.428A>G (p.His143Arg)

Gene: POT1 (protection of telomeres 1; minus strand). Cytogenetic location: 7q31.33.
Variant type: single nucleotide variant.
Coding change: c.428A>G on transcript NM_015450.3 (MANE Select); coding-DNA position 428, A replaced by G.
Protein change: p.His143Arg; replaces histidine 143 with arginine.
Molecular consequence: missense variant. On other transcripts: non-coding transcript variant (3).
Genome position (GRCh38, 1-based): chr7:124,863,468, T>C on the plus strand (A>G on the coding strand, the complement: POT1 is on the minus strand). VCF-style: chr7-124863468-T-C. GRCh37 (hg19) VCF-style: chr7-124503522-T-C.
Other names: c.35A>G, p.His12Arg (NM_001042594.2); c.428A>G (NM_015450.2); short protein forms H143R, H12R.
Identifiers: ClinVar variation 2995775 (VCV002995775.4), dbSNP rs2485480214, ClinGen allele CA369059383.